The following is an entry in ClinVar:

NM_024577.4(SH3TC2):c.280-3T>C

Gene: SH3TC2 (SH3 domain and tetratricopeptide repeats 2; minus strand). Cytogenetic location: 5q32.
Variant type: single nucleotide variant.
Coding change: c.280-3T>C on transcript NM_024577.4 (MANE Select); 3 bases into the intron before coding-DNA position 280, T replaced by C.
Molecular consequence: intron variant.
Genome position (GRCh38, 1-based): chr5:149,044,641, A>G on the plus strand (T>C on the coding strand, the complement: SH3TC2 is on the minus strand). VCF-style: chr5-149044641-A-G. GRCh37 (hg19) VCF-style: chr5-148424204-A-G.
Identifiers: ClinVar variation 2889947 (VCV002889947.4), dbSNP rs1471338058, ClinGen allele CA563535567.

ClinVar aggregate classification (germline): Uncertain significance. Review status: criteria provided, multiple submitters, no conflicts (2 of 4 stars). 2 submissions from 2 submitters: Uncertain significance (2). Last evaluated 2026-01-06.

Conditions:
Charcot-Marie-Tooth disease type 4. Also called: Charcot-Marie-Tooth disease, type IV; Charcot-Marie-Tooth, Type 4. Identifiers: Orphanet 64749, MedGen C4082197, MONDO:0018995.

Allele frequency attached by ClinVar (database versions not stated): gnomAD exomes 0.00003; TOPMed 0.00016; gnomAD 0.00022.
gnomAD v4.1: 49 of 1,612,100 alleles (0.003%); highest among the groups gnomAD compares: Admixed American, 0.078%; no homozygotes.

Submissions (2):

Women's Health and Genetics/Laboratory Corporation of America, LabCorp
Classification: Uncertain significance. Last evaluated: 2026-01-06. Review status: criteria provided, single submitter. Criteria: LabCorp Variant Classification Summary - May 2015. Collection method: clinical testing. Allele origin: germline.
Comment: Variant summary: SH3TC2 c.280-3T>C alters a nucleotide located close to a canonical splice site and therefore could affect mRNA splicing, leading to a significantly altered protein sequence. Consensus agreement among computation tools predict no significant impact on normal splicing. However, these predictions have yet to be confirmed by functional studies. The variant allele was found at a frequency of 6.8e-05 in 251104 control chromosomes. This frequency is not significantly higher than estimated for disease-causing variants in SH3TC2, allowing no conclusion about variant significance. To our knowledge, no occurrence of c.280-3T>C in individuals affected with SH3TC2-related conditions and no experimental evidence demonstrating its impact on protein function have been reported. ClinVar contains an entry for this variant (Variation ID: 2889947). Based on the evidence outlined above, the variant was classified as uncertain significance.

Labcorp Genetics (formerly Invitae), Labcorp
Classification: Uncertain significance for Charcot-Marie-Tooth disease type 4. Last evaluated: 2022-10-30. Review status: criteria provided, single submitter. Criteria: Invitae Variant Classification Sherloc (09022015). Collection method: clinical testing. Allele origin: germline.
Comment: In summary, the available evidence is currently insufficient to determine the role of this variant in disease. Therefore, it has been classified as a Variant of Uncertain Significance. Variants that disrupt the consensus splice site are a relatively common cause of aberrant splicing (PMID: 17576681, 9536098). Algorithms developed to predict the effect of sequence changes on RNA splicing suggest that this variant is not likely to affect RNA splicing. This variant has not been reported in the literature in individuals affected with SH3TC2-related conditions. This variant is present in population databases (no rsID available, gnomAD 0.05%). This sequence change falls in intron 3 of the SH3TC2 gene. It does not directly change the encoded amino acid sequence of the SH3TC2 protein. It affects a nucleotide within the consensus splice site.

Literature cited by the submitters: PubMed 17576681 (cited by Labcorp Genetics (formerly Invitae), Labcorp); PubMed 9536098 (cited by Labcorp Genetics (formerly Invitae), Labcorp).